The following is an entry in ClinVar:

ClinVar aggregate classification (germline): Conflicting classifications of pathogenicity. Review status: criteria provided, conflicting classifications (1 of 4 stars). 2 submissions from 2 submitters: Uncertain significance (1); Likely benign (1). Last evaluated 2025-11-13.

Conditions:
Paroxysmal nonkinesigenic dyskinesia. Also called: Paroxysmal non-kinesigenic dyskinesia. Identifiers: Orphanet 98810, MedGen C1869117, MONDO:0700088.
Inborn genetic diseases. Identifiers: MedGen C0950123, MeSH D030342.

Allele frequency attached by ClinVar (database versions not stated): ExAC 0.00001; TOPMed 0.00001.
gnomAD v4.1: 11 of 1,613,946 alleles (0.00068%); highest among the groups gnomAD compares: Admixed American, 0.0033%; no homozygotes.

Submissions (2):

Ambry Genetics
Classification: Likely benign for Inborn genetic diseases. Last evaluated: 2025-11-13. Review status: criteria provided, single submitter. Criteria: Ambry Variant Classification Scheme 2023. Collection method: clinical testing. Allele origin: germline.

Labcorp Genetics (formerly Invitae), Labcorp
Classification: Uncertain significance for Paroxysmal nonkinesigenic dyskinesia. Last evaluated: 2021-12-14. Review status: criteria provided, single submitter. Criteria: Invitae Variant Classification Sherloc (09022015). Collection method: clinical testing. Allele origin: germline.
Comment: This sequence change replaces alanine, which is neutral and non-polar, with valine, which is neutral and non-polar, at codon 349 of the PNKD protein (p.Ala349Val). In summary, the available evidence is currently insufficient to determine the role of this variant in disease. Therefore, it has been classified as a Variant of Uncertain Significance. Algorithms developed to predict the effect of missense changes on protein structure and function output the following: SIFT: "Tolerated"; PolyPhen-2: "Benign"; Align-GVGD: "Class C0". The valine amino acid residue is found in multiple mammalian species, which suggests that this missense change does not adversely affect protein function. This variant has not been reported in the literature in individuals affected with PNKD-related conditions. This variant is present in population databases (rs775603840, gnomAD 0.003%).

NM_015488.5(PNKD):c.1046C>T (p.Ala349Val)

Genes: CATIP-AS2 (CATIP antisense RNA 2; minus strand), PNKD (PNKD metallo-beta-lactamase domain containing; plus strand). Cytogenetic location: 2q35.
Variant type: single nucleotide variant.
Coding change: c.1046C>T on transcript NM_015488.5 (MANE Select); coding-DNA position 1046, C replaced by T.
Protein change: p.Ala349Val; replaces alanine 349 with valine.
Molecular consequence: missense variant.
Genome position (GRCh38, 1-based): chr2:218,344,869, C>T. VCF-style: chr2-218344869-C-T. GRCh37 (hg19) VCF-style: chr2-219209592-C-T.
Other names: c.974C>T, p.Ala325Val (NM_022572.5); short protein forms A325V, A349V.
Identifiers: ClinVar variation 2040226 (VCV002040226.5), dbSNP rs775603840, ClinGen allele CA2104194.